The following is an entry in ClinVar:

NM_003106.4(SOX2):c.600C>G (p.Tyr200Ter)

Genes: SOX2-OT (SOX2 overlapping transcript; plus strand), SOX2 (SRY-box transcription factor 2; plus strand). Cytogenetic location: 3q26.33.
Variant type: single nucleotide variant.
Coding change: c.600C>G on transcript NM_003106.4 (MANE Select); coding-DNA position 600, C replaced by G.
Protein change: p.Tyr200Ter; replaces tyrosine 200 with a stop codon.
Molecular consequence: nonsense.
Genome position (GRCh38, 1-based): chr3:181,712,960, C>G. VCF-style: chr3-181712960-C-G. GRCh37 (hg19) VCF-style: chr3-181430748-C-G.
Other names: short protein forms Y200*.
Identifiers: ClinVar variation 986772 (VCV000986772.3), dbSNP rs1714865486, ClinGen allele CA355474239.

ClinVar aggregate classification (germline): Likely pathogenic. Review status: criteria provided, single submitter (1 of 4 stars). 2 submissions from 2 submitters: Likely pathogenic (1). 1 of the submissions does not count toward it.

Conditions:
Anophthalmia/microphthalmia-esophageal atresia syndrome (MCOPS3). Also called: MICROPHTHALMIA AND ESOPHAGEAL ATRESIA SYNDROME; AEG SYNDROME; SOX2 Disorder. Identifiers: Orphanet 77298, MedGen C1859773, MONDO:0008799, OMIM 206900.

Submissions (2):

Juno Genomics, Hangzhou Juno Genomics, Inc
Classification: Likely pathogenic for Anophthalmia/microphthalmia-esophageal atresia syndrome. Review status: criteria provided, single submitter. Criteria: ACMG Guidelines, 2015. Collection method: clinical testing. Allele origin: germline. Affected: yes.
Comment: Absent from controls (or at extremely low frequency if recessive) in Genome Aggregation Database, Exome Sequencing Project, 1000 Genomes Project, or Exome Aggregation Consortium.;De novo (both maternity and paternity confirmed) in a patient with the disease and no family history.;The prevalence of the variant in affected individuals is significantly increased compared to the prevalence in controls.;Patient's phenotype or family history is highly specific for a disease with a single genetic etiology.;Null variant in a gene where loss of function (LOF) is a known mechanism of disease.

Anophthalmia/Microphthalmia Research Registry, Einstein Medical Center Philadelphia
Classification: Pathogenic for Anophthalmia/microphthalmia-esophageal atresia syndrome. Review status: no assertion criteria provided. Collection method: clinical testing. Allele origin: germline. Inheritance: Autosomal dominant inheritance. Affected: yes. Observed: 1 variant allele. Not counted in ClinVar's aggregate classification.